The following is an entry in ClinVar:

ClinVar aggregate classification (germline): Uncertain significance. Review status: criteria provided, multiple submitters, no conflicts (2 of 4 stars). 2 submissions from 2 submitters: Uncertain significance (2). Last evaluated 2023-02-10.

Allele frequency attached by ClinVar (database versions not stated): gnomAD 0.00001.
gnomAD v4.1: 2 of 1,605,554 alleles (0.00012%); highest among the groups gnomAD compares: Non-Finnish European, 0.00017%; no homozygotes.

Submissions (2):

Labcorp Genetics (formerly Invitae), Labcorp
Classification: Uncertain significance. Last evaluated: 2023-02-10. Review status: criteria provided, single submitter. Criteria: Invitae Variant Classification Sherloc (09022015). Collection method: clinical testing. Allele origin: germline.
Comment: This sequence change replaces glutamine, which is neutral and polar, with proline, which is neutral and non-polar, at codon 337 of the CEP97 protein (p.Gln337Pro). This variant is not present in population databases (gnomAD no frequency). This variant has not been reported in the literature in individuals affected with CEP97-related conditions. Advanced modeling of protein sequence and biophysical properties (such as structural, functional, and spatial information, amino acid conservation, physicochemical variation, residue mobility, and thermodynamic stability) performed at Invitae indicates that this missense variant is not expected to disrupt CEP97 protein function. In summary, the available evidence is currently insufficient to determine the role of this variant in disease. Therefore, it has been classified as a Variant of Uncertain Significance.

Ambry Genetics
Classification: Uncertain significance. Last evaluated: 2022-05-05. Review status: criteria provided, single submitter. Criteria: Ambry Variant Classification Scheme 2023. Collection method: clinical testing. Allele origin: germline.

NM_024548.4(CEP97):c.1010A>C (p.Gln337Pro)

Gene: CEP97 (centrosomal protein 97; plus strand). Cytogenetic location: 3q12.3.
Variant type: single nucleotide variant.
Coding change: c.1010A>C on transcript NM_024548.4 (MANE Select); coding-DNA position 1010, A replaced by C.
Protein change: p.Gln337Pro; replaces glutamine 337 with proline.
Molecular consequence: missense variant.
Genome position (GRCh38, 1-based): chr3:101,757,179, A>C. VCF-style: chr3-101757179-A-C. GRCh37 (hg19) VCF-style: chr3-101476023-A-C.
Other names: c.908A>C, p.Gln303Pro (NM_001410785.1, NM_001410784.1); c.1010A>C, p.Gln337Pro (NM_001303401.2); short protein forms Q337P, Q303P.
Identifiers: ClinVar variation 2287653 (VCV002287653.5), dbSNP rs1170441231, ClinGen allele CA353874911.